The following is an entry in ClinVar:

NM_006005.3(WFS1):c.535G>A (p.Ala179Thr)

Gene: WFS1 (wolframin ER transmembrane glycoprotein; plus strand). Cytogenetic location: 4p16.1.
Variant type: single nucleotide variant.
Coding change: c.535G>A on transcript NM_006005.3 (MANE Select); coding-DNA position 535, G replaced by A.
Protein change: p.Ala179Thr; replaces alanine 179 with threonine.
Molecular consequence: missense variant.
Genome position (GRCh38, 1-based): chr4:6,291,271, G>A. VCF-style: chr4-6291271-G-A. GRCh37 (hg19) VCF-style: chr4-6292998-G-A.
Other names: c.535G>A, p.Ala179Thr (NM_001145853.1); short protein forms A179T.
Identifiers: ClinVar variation 229647 (VCV000229647.43), dbSNP rs776685250, ClinGen allele CA2838932.

ClinVar aggregate classification (germline): Uncertain significance/Uncertain risk allele. Review status: criteria provided, multiple submitters, no conflicts (2 of 4 stars). 9 submissions from 9 submitters: Uncertain significance (7); Uncertain risk allele (1). 1 of the submissions does not count toward it. Last evaluated 2026-09-10.

Conditions:
WFS1-related disorder. Identifiers: MedGen CN379391, MONDO:0700293.
Inborn genetic diseases. Identifiers: MedGen C0950123, MeSH D030342.
Wolfram syndrome 1 (WFS1). Identifiers: Orphanet 3463, MedGen C4551693, MONDO:0009101, OMIM 222300.
Type 2 diabetes mellitus. Also called: Type II diabetes mellitus. Identifiers: MedGen C0011860, MeSH D003924, MONDO:0005148, OMIM 125853, HP:0005978.
Autosomal dominant nonsyndromic hearing loss 6 (LFSNHL). Also called: DEAFNESS, AUTOSOMAL DOMINANT 6; Autosomal dominant nonsyndromic deafness 6; DEAFNESS, AUTOSOMAL DOMINANT 14; DEAFNESS, AUTOSOMAL DOMINANT 38. Identifiers: Orphanet 90635, MedGen C1833021, MONDO:0010963, OMIM 600965.
Cataract 41 (CTRCT41). Also called: CATARACT 41, CONGENITAL NUCLEAR TYPE. Identifiers: Orphanet 91492, Orphanet 98991, Orphanet 98992, Orphanet 98995, MedGen C3805412, MONDO:0007287, OMIM 116400.
Wolfram-like syndrome. Also called: HEARING LOSS, PROGRESSIVE, WITH OPTIC ATROPHY AND/OR IMPAIRED GLUCOSE REGULATION. Identifiers: Orphanet 411590, MedGen C3280358, MONDO:0013673, OMIM 614296.

Allele frequency attached by ClinVar (database versions not stated): gnomAD exomes below 0.00001 and 0.00001; ExAC 0.00002; TOPMed 0.00002.
gnomAD v4.1: 2 of 1,613,408 alleles (0.00012%); highest among the groups gnomAD compares: East Asian, 0.0045%; no homozygotes.

Submissions (9):

GeneDx
Classification: Uncertain significance. Last evaluated: 2026-09-10. Review status: criteria provided, single submitter. Criteria: GeneDx Variant Classification Process June 2021. Collection method: clinical testing. Allele origin: germline.
Comment: Reported as a variant of uncertain significance in a patient with early onset type 2 diabetes and in a patient with hearing loss in cohort studies of these disorders, but additional evidence is not available (PMID: 37277527, 36597107); In silico analysis supports that this missense variant has a deleterious effect on protein structure/function; This variant is associated with the following publications: (PMID: 36597107, 37277527, 17603484)

Ambry Genetics
Classification: Uncertain significance for Inborn genetic diseases. Last evaluated: 2026-02-23. Review status: criteria provided, single submitter. Criteria: Ambry Variant Classification Scheme 2023. Collection method: clinical testing. Allele origin: germline.
Comment: The c.535G>A (p.A179T) alteration is located in exon 5 (coding exon 4) of the WFS1 gene. This alteration results from a G to A substitution at nucleotide position 535, causing the alanine (A) at amino acid position 179 to be replaced by a threonine (T). Based on data from gnomAD, the A allele has an overall frequency of 0.001% (2/250696) total alleles studied. The highest observed frequency was 0.011% (2/18384) of East Asian alleles. Based on insufficient or conflicting evidence, the clinical significance of this alteration remains unclear.

Labcorp Genetics (formerly Invitae), Labcorp
Classification: Uncertain significance. Last evaluated: 2026-02-03. Review status: criteria provided, single submitter. Criteria: Invitae Variant Classification Sherloc (09022015). Collection method: clinical testing. Allele origin: germline.
Comment: This sequence change replaces alanine, which is neutral and non-polar, with threonine, which is neutral and polar, at codon 179 of the WFS1 protein (p.Ala179Thr). This variant is present in population databases (rs776685250, gnomAD 0.01%). This missense change has been observed in individual(s) with deafness or diabetes (PMID: 36597107, 37277527). ClinVar contains an entry for this variant (Variation ID: 229647). Invitae Evidence Modeling of protein sequence and biophysical properties (such as structural, functional, and spatial information, amino acid conservation, physicochemical variation, residue mobility, and thermodynamic stability) indicates that this missense variant is not expected to disrupt WFS1 protein function with a negative predictive value of 95%. In summary, the available evidence is currently insufficient to determine the role of this variant in disease. Therefore, it has been classified as a Variant of Uncertain Significance.

CeGaT Center for Human Genetics Tuebingen
Classification: Uncertain significance. Last evaluated: 2023-03-01. Review status: criteria provided, single submitter. Criteria: CeGaT Center For Human Genetics Tuebingen Variant Classification Criteria Version 2. Collection method: clinical testing. Allele origin: germline. Affected: yes. Observed: 1 variant allele.

Blueprint Genetics
Classification: Uncertain significance. Last evaluated: 2022-09-19. Review status: criteria provided, single submitter. Criteria: ACMG Guidelines, 2015. Collection method: clinical testing. Allele origin: germline.

Fulgent Genetics
Classification: Uncertain significance for Cataract 41; Type 2 diabetes mellitus; Wolfram syndrome 1; Autosomal dominant nonsyndromic hearing loss 6; Wolfram-like syndrome. Last evaluated: 2018-10-31. Review status: criteria provided, single submitter. Criteria: ACMG Guidelines, 2015. Collection method: clinical testing. Allele origin: unknown.

Laboratory for Molecular Medicine, Mass General Brigham Personalized Medicine
Classification: Uncertain significance. Last evaluated: 2015-08-12. Review status: criteria provided, single submitter. Criteria: LMM Criteria. Collection method: clinical testing. Allele origin: germline. Observed: 3 variant alleles.
Comment: The p.Ala179Thr variant in WFS1 has not been previously reported in individuals with hearing loss or Wolfram syndrome, but has been identified in 2/8632 East As ian chromosomes by the Exome Aggregation Consortium (ExAC; dbSNP rs776685250). Computational prediction tools and conservation a nalyses do not provide strong support for or against an impact to the protein. I n summary, the clinical significance of the p.Ala179Thr variant is uncertain.

Clinical Genomics, Uppaluri K&H Personalized Medicine Clinic
Classification: Uncertain risk allele for Wolfram syndrome 1. Review status: criteria provided, single submitter. Criteria: K & H Uppaluri Personalized Medicine Clinic Variant Classification & Assertion Criteria_Updated V.1. Collection method: research. Allele origin: unknown. Inheritance: Autosomal recessive inheritance.
Comment: Potent mutations in WFS1 gene are associated with Wolfram's syndrome, an autosomal recessive condition, which cause diabetes mellitus, diabetes insipidus, deafness and optic atrophy. However no sufficient evidence is found to ascertain the role of this particular variant rs776685250 in Wolfram's syndrome yet.

PreventionGenetics, part of Exact Sciences
Classification: Uncertain significance for WFS1-related condition. Last evaluated: 2024-05-14. Review status: no assertion criteria provided. Collection method: clinical testing. Allele origin: germline. Not counted in ClinVar's aggregate classification.
Comment: The WFS1 c.535G>A variant is predicted to result in the amino acid substitution p.Ala179Thr. To our knowledge, this variant has not been reported in the literature. This variant is reported in 0.011% of alleles in individuals of East Asian descent in gnomAD. At this time, the clinical significance of this variant is uncertain due to the absence of conclusive functional and genetic evidence.

Literature cited by the submitters: PubMed 36597107 (cited by Labcorp Genetics (formerly Invitae), Labcorp); PubMed 37277527 (cited by Labcorp Genetics (formerly Invitae), Labcorp); PubMed 20738327 (cited by Clinical Genomics, Uppaluri K&H Personalized Medicine Clinic); PubMed 33879153 (cited by Clinical Genomics, Uppaluri K&H Personalized Medicine Clinic); PubMed 12955714 (cited by Clinical Genomics, Uppaluri K&H Personalized Medicine Clinic); PubMed 18060660 (cited by Clinical Genomics, Uppaluri K&H Personalized Medicine Clinic); PubMed 20301750 (cited by Clinical Genomics, Uppaluri K&H Personalized Medicine Clinic); PubMed 17603484 (cited by Clinical Genomics, Uppaluri K&H Personalized Medicine Clinic).